The following is an entry in ClinVar:

NM_018718.3(CEP41):c.838C>G (p.Pro280Ala)

Gene: CEP41 (centrosomal protein 41; minus strand). Cytogenetic location: 7q32.2.
Variant type: single nucleotide variant.
Coding change: c.838C>G on transcript NM_018718.3 (MANE Select); coding-DNA position 838, C replaced by G.
Protein change: p.Pro280Ala; replaces proline 280 with alanine.
Molecular consequence: missense variant. On other transcripts: non-coding transcript variant (1), intron variant (2).
Genome position (GRCh38, 1-based): chr7:130,400,174, G>C on the plus strand (C>G on the coding strand, the complement: CEP41 is on the minus strand). VCF-style: chr7-130400174-G-C. GRCh37 (hg19) VCF-style: chr7-130040015-G-C.
Other names: c.709+533C>G (NM_001257159.2); c.757+533C>G (NM_001257158.2); short protein forms P280A.
Identifiers: ClinVar variation 4745533 (VCV004745533.1).

ClinVar aggregate classification (germline): Uncertain significance (1 of 4 stars; one submission).

Conditions:
Joubert syndrome 15 (JBTS15). Identifiers: Orphanet 475, MedGen C3280897, MONDO:0013763, OMIM 614464.

Submission:

Labcorp Genetics (formerly Invitae), Labcorp
Classification: Uncertain significance for Joubert syndrome 15. Last evaluated: 2025-07-19. Review status: criteria provided, single submitter. Criteria: Invitae Variant Classification Sherloc (09022015). Collection method: clinical testing. Allele origin: germline.
Comment: This sequence change replaces proline, which is neutral and non-polar, with alanine, which is neutral and non-polar, at codon 280 of the CEP41 protein (p.Pro280Ala). This variant is not present in population databases (gnomAD no frequency). This variant has not been reported in the literature in individuals affected with CEP41-related conditions. Invitae Evidence Modeling of protein sequence and biophysical properties (such as structural, functional, and spatial information, amino acid conservation, physicochemical variation, residue mobility, and thermodynamic stability) indicates that this missense variant is not expected to disrupt CEP41 protein function with a negative predictive value of 80%. In summary, the available evidence is currently insufficient to determine the role of this variant in disease. Therefore, it has been classified as a Variant of Uncertain Significance.